The following is an entry in ClinVar:

ClinVar aggregate classification (germline): Uncertain significance (1 of 4 stars; one submission).

Conditions:
Developmental and epileptic encephalopathy, 67. Also called: EPILEPTIC ENCEPHALOPATHY, EARLY INFANTILE, 67. Identifiers: MedGen C4748341, MONDO:0029138, OMIM 618141.

Submission:

Institute of Human Genetics, University of Leipzig Medical Center
Classification: Uncertain significance for Developmental and epileptic encephalopathy, 67. Last evaluated: 2024-10-08. Review status: criteria provided, single submitter. Criteria: ACMG Guidelines, 2015. Collection method: clinical testing. Allele origin: unknown. Inheritance: Autosomal dominant inheritance. Affected: yes.
Comment: Criteria applied: PM2,PP2,PP3

NM_015267.4(CUX2):c.4417G>A (p.Glu1473Lys)

Gene: CUX2 (cut like homeobox 2; plus strand). Cytogenetic location: 12q24.12.
Variant type: single nucleotide variant.
Coding change: c.4417G>A on transcript NM_015267.4 (MANE Select); coding-DNA position 4417, G replaced by A.
Protein change: p.Glu1473Lys; replaces glutamic acid 1473 with lysine.
Molecular consequence: missense variant.
Genome position (GRCh38, 1-based): chr12:111,348,281, G>A. VCF-style: chr12-111348281-G-A. GRCh37 (hg19) VCF-style: chr12-111786085-G-A.
Other names: c.4231G>A, p.Glu1411Lys (NM_001370598.1); short protein forms E1411K, E1473K.
Identifiers: ClinVar variation 3376161 (VCV003376161.3).